The following is an entry in ClinVar:

ClinVar aggregate classification (germline): Uncertain significance (1 of 4 stars; one submission).

gnomAD v4.1: 6 of 1,563,374 alleles (0.00038%); highest among the groups gnomAD compares: Non-Finnish European, 0.00053%; no homozygotes.

Submission:

Labcorp Genetics (formerly Invitae), Labcorp
Classification: Uncertain significance. Last evaluated: 2024-07-25. Review status: criteria provided, single submitter. Criteria: Invitae Variant Classification Sherloc (09022015). Collection method: clinical testing. Allele origin: germline.
Comment: This sequence change falls in intron 15 of the IL6ST gene. It does not directly change the encoded amino acid sequence of the IL6ST protein. It affects a nucleotide within the consensus splice site. This variant is not present in population databases (gnomAD no frequency). This variant has not been reported in the literature in individuals affected with IL6ST-related conditions. Variants that disrupt the consensus splice site are a relatively common cause of aberrant splicing (PMID: 17576681, 9536098). Algorithms developed to predict the effect of sequence changes on RNA splicing suggest that this variant is not likely to affect RNA splicing. In summary, the available evidence is currently insufficient to determine the role of this variant in disease. Therefore, it has been classified as a Variant of Uncertain Significance.

Literature cited by the submitters: PubMed 17576681; PubMed 9536098.

NM_002184.4(IL6ST):c.1938-3C>A

Gene: IL6ST (interleukin 6 cytokine family signal transducer; minus strand). Cytogenetic location: 5q11.2.
Variant type: single nucleotide variant.
Coding change: c.1938-3C>A on transcript NM_002184.4 (MANE Select); 3 bases into the intron before coding-DNA position 1938, C replaced by A.
Molecular consequence: intron variant.
Genome position (GRCh38, 1-based): chr5:55,942,754, G>T on the plus strand (C>A on the coding strand, the complement: IL6ST is on the minus strand). VCF-style: chr5-55942754-G-T. GRCh37 (hg19) VCF-style: chr5-55238582-G-T.
Other names: c.1728-3C>A (NM_001364276.2); c.942-3C>A (NM_001364279.2); c.1035-3C>A (NM_001364278.2); c.1071-3C>A (NM_001364277.2); c.*865-3C>A (NM_175767.3); c.1755-3C>A (NM_001190981.2); c.1836-3C>A (NM_001364275.2).
Identifiers: ClinVar variation 3626210 (VCV003626210.2).